The following is an entry in ClinVar:

NM_002693.3(POLG):c.739dup (p.Leu247fs)

Gene: POLG (DNA polymerase gamma, catalytic subunit; minus strand). Cytogenetic location: 15q26.1.
Variant type: Duplication.
Coding change: c.739dup on transcript NM_002693.3 (MANE Select); coding-DNA position 739, one base duplicated (C; older notation c.739dupC).
Protein change: p.Leu247fs; shifts the reading frame from leucine 247.
Molecular consequence: frameshift variant.
Genome position (GRCh38, 1-based): chr15:89,330,197, G duplicated on the plus strand (C on the coding strand, the reverse complement: POLG is on the minus strand); the first of 5 consecutive G bases (chr15:89,330,197-89,330,201); duplicating any one gives the same sequence. VCF-style (leftmost placement, unchanged base first): chr15-89330196-A-AG. GRCh37 (hg19) VCF-style: chr15-89873427-A-AG.
Other names: c.739dup, p.Leu247fs (NM_001126131.2); short protein forms L247fs.
Identifiers: ClinVar variation 2786755 (VCV002786755.3), dbSNP rs2509265618, ClinGen allele CA2739269689.

ClinVar aggregate classification (germline): Pathogenic (1 of 4 stars; one submission).

Conditions:
Progressive sclerosing poliodystrophy (MTDPS4A). Also called: ALPERS PROGRESSIVE INFANTILE POLIODYSTROPHY; NEURONAL DEGENERATION OF CHILDHOOD WITH LIVER DISEASE, PROGRESSIVE; Alpers Syndrome; ALPERS DIFFUSE DEGENERATION OF CEREBRAL GRAY MATTER WITH HEPATIC CIRRHOSIS; Alpers-Huttenlocher Syndrome; Mitochondrial DNA Depletion Syndrome 4A. Identifiers: Orphanet 726, MedGen C0205710, MONDO:0008758, OMIM 203700.

Submission:

Labcorp Genetics (formerly Invitae), Labcorp
Classification: Pathogenic for Progressive sclerosing poliodystrophy. Last evaluated: 2023-03-02. Review status: criteria provided, single submitter. Criteria: Invitae Variant Classification Sherloc (09022015). Collection method: clinical testing. Allele origin: germline.
Comment: This sequence change creates a premature translational stop signal (p.Leu247Profs*28) in the POLG gene. It is expected to result in an absent or disrupted protein product. Loss-of-function variants in POLG are known to be pathogenic (PMID: 18546365). This variant is not present in population databases (gnomAD no frequency). This variant has not been reported in the literature in individuals affected with POLG-related conditions. For these reasons, this variant has been classified as Pathogenic.

Literature cited by the submitters: PubMed 18546365.